The following continues an entry in ClinVar:

NM_000492.4(CFTR):c.165-3C>T

ClinVar aggregate classification (germline): Uncertain significance. Uncertain significance (1).

Submissions 12 to 15 of 15:

CFTR-France
Classification: Pathogenic for cystic fibrosis; CFTR-related disorders. Last evaluated: 2015-07-01. Review status: criteria provided, single submitter. Criteria: Claustres M et al. (Hum Mutat 2017). Collection method: curation. Allele origin: germline. Affected: yes. Not counted in ClinVar's aggregate classification.
Comment: the variant causes a phenotype but regarding our data, we can't formally attribute it to CF, CFTR-RD or both

Baylor Genetics
Classification: Pathogenic for Congenital bilateral aplasia of vas deferens from CFTR mutation; Cystic fibrosis. Review status: criteria provided, single submitter. Criteria: ACMG Guidelines, 2015. Collection method: clinical testing. Allele origin: germline. Not counted in ClinVar's aggregate classification.

Counsyl
Classification: Likely pathogenic for Cystic fibrosis. Last evaluated: 2014-09-17. Review status: no assertion criteria provided. Collection method: literature only. Allele origin: unknown. Inheritance: Autosomal recessive inheritance. Not counted in ClinVar's aggregate classification.

Baylor Genetics
Classification: Likely pathogenic for Cystic fibrosis. Review status: no assertion criteria provided. Collection method: clinical testing. Allele origin: unknown. Not counted in ClinVar's aggregate classification.

Literature cited by the submitters: PubMed 10923036 (cited by Women's Health and Genetics/Laboratory Corporation of America, LabCorp and Quest Diagnostics Nichols Institute San Juan Capistrano); PubMed 19833837 (cited by 6 submitters); PubMed 7550227 (cited by Women's Health and Genetics/Laboratory Corporation of America, LabCorp and Quest Diagnostics Nichols Institute San Juan Capistrano); PubMed 10982968 (cited by Women's Health and Genetics/Laboratory Corporation of America, LabCorp); PubMed 7518409 (cited by 7 submitters); PubMed 8947061 (cited by Women's Health and Genetics/Laboratory Corporation of America, LabCorp and Quest Diagnostics Nichols Institute San Juan Capistrano); PubMed 25087612 (cited by 3 submitters); PubMed 26574590 (cited by Women's Health and Genetics/Laboratory Corporation of America, LabCorp and Quest Diagnostics Nichols Institute San Juan Capistrano); PubMed 29750258 (cited by 3 submitters); PubMed 16617247 (cited by Women's Health and Genetics/Laboratory Corporation of America, LabCorp and Quest Diagnostics Nichols Institute San Juan Capistrano); PubMed 32126153 (cited by Women's Health and Genetics/Laboratory Corporation of America, LabCorp and Quest Diagnostics Nichols Institute San Juan Capistrano); PubMed 31036917 (cited by Women's Health and Genetics/Laboratory Corporation of America, LabCorp and Quest Diagnostics Nichols Institute San Juan Capistrano); PubMed 32256364 (cited by Women's Health and Genetics/Laboratory Corporation of America, LabCorp and Quest Diagnostics Nichols Institute San Juan Capistrano); PubMed 33085659 (cited by 3 submitters); PubMed 34996830 (cited by Women's Health and Genetics/Laboratory Corporation of America, LabCorp and Quest Diagnostics Nichols Institute San Juan Capistrano); PubMed 34196078 (cited by Women's Health and Genetics/Laboratory Corporation of America, LabCorp and Quest Diagnostics Nichols Institute San Juan Capistrano); PubMed 34782259 (cited by Women's Health and Genetics/Laboratory Corporation of America, LabCorp and Quest Diagnostics Nichols Institute San Juan Capistrano); PubMed 17576681 (cited by Labcorp Genetics (formerly Invitae), Labcorp); PubMed 9536098 (cited by Labcorp Genetics (formerly Invitae), Labcorp); PubMed 11788090 (cited by Ambry Genetics and Counsyl).